The following is an entry in ClinVar:

NM_006648.4(WNK2):c.2603C>T (p.Pro868Leu)

Gene: WNK2 (WNK lysine deficient protein kinase 2; plus strand). Cytogenetic location: 9q22.31.
Variant type: single nucleotide variant.
Coding change: c.2603C>T on transcript NM_006648.4 (MANE Select); coding-DNA position 2603, C replaced by T.
Protein change: p.Pro868Leu; replaces proline 868 with leucine.
Molecular consequence: missense variant.
Genome position (GRCh38, 1-based): chr9:93,259,151, C>T. VCF-style: chr9-93259151-C-T. GRCh37 (hg19) VCF-style: chr9-96021433-C-T.
Other names: c.2603C>T, p.Pro868Leu (NM_001282394.3); short protein forms P868L.
Identifiers: ClinVar variation 4842083 (VCV004842083.1).

ClinVar aggregate classification (germline): Uncertain significance (1 of 4 stars; one submission).

Submission:

Ambry Genetics
Classification: Uncertain significance. Last evaluated: 2025-12-18. Review status: criteria provided, single submitter. Criteria: Ambry Variant Classification Scheme 2023. Collection method: clinical testing. Allele origin: germline.
Comment: The p.P868L variant (also known as c.2603C>T), located in coding exon 11 of the WNK2 gene, results from a C to T substitution at nucleotide position 2603. The proline at codon 868 is replaced by leucine, an amino acid with similar properties. This amino acid position is conserved. In addition, this alteration is predicted to be tolerated by in silico analysis. Based on the available evidence, the clinical significance of this variant remains unclear.